The following is an entry in ClinVar:

NM_025074.7(FRAS1):c.8215G>A (p.Ala2739Thr)

Gene: FRAS1 (Fraser extracellular matrix complex subunit 1; plus strand). Cytogenetic location: 4q21.21.
Variant type: single nucleotide variant.
Coding change: c.8215G>A on transcript NM_025074.7 (MANE Select); coding-DNA position 8215, G replaced by A.
Protein change: p.Ala2739Thr; replaces alanine 2739 with threonine.
Molecular consequence: missense variant.
Genome position (GRCh38, 1-based): chr4:78,479,490, G>A. VCF-style: chr4-78479490-G-A. GRCh37 (hg19) VCF-style: chr4-79400644-G-A.
Other names: short protein forms A2739T.
Identifiers: ClinVar variation 702791 (VCV000702791.19), dbSNP rs192476468, ClinGen allele CA2978309.

ClinVar aggregate classification (germline): Benign/Likely benign. Review status: criteria provided, multiple submitters, no conflicts (2 of 4 stars). 7 submissions from 7 submitters: Benign (3); Likely benign (1). 3 of the submissions do not count toward it. Last evaluated 2026-02-01.

Conditions:
FRAS1-related disorder. Also called: FRAS1-related condition.
Fraser syndrome 1 (FRASRS1). Also called: CRYPTOPHTHALMOS WITH OTHER MALFORMATIONS. Identifiers: Orphanet 2052, MedGen C4551480, MONDO:0054737, OMIM 219000.

Allele frequency attached by ClinVar (database versions not stated): gnomAD exomes 0.00043 and 0.00100; ExAC 0.00130; gnomAD 0.00393 and 0.00426; 1000 Genomes Project 0.00399; ESP Exome Variant Server 0.00405; TOPMed 0.00437; 1000 Genomes Project 30x 0.00484.
gnomAD v4.1: 1,241 of 1,612,320 alleles (0.077%); highest among the groups gnomAD compares: African/African-American, 1.4%; 8 homozygotes.

Submissions (7):

Labcorp Genetics (formerly Invitae), Labcorp
Classification: Benign. Last evaluated: 2026-02-01. Review status: criteria provided, single submitter. Criteria: Invitae Variant Classification Sherloc (09022015). Collection method: clinical testing. Allele origin: germline.

Blueprint Genetics
Classification: Likely benign. Last evaluated: 2023-10-08. Review status: criteria provided, single submitter. Criteria: ACMG Guidelines, 2015. Collection method: clinical testing. Allele origin: germline.

Illumina Laboratory Services, Illumina
Classification: Benign for Fraser syndrome 1. Last evaluated: 2018-01-12. Review status: criteria provided, single submitter. Criteria: ICSL Variant Classification Criteria 13 December 2019. Collection method: clinical testing. Allele origin: germline.
Comment: This variant was observed in the ICSL laboratory as part of a predisposition screen in an ostensibly healthy population. It had not been previously curated by ICSL or reported in the Human Gene Mutation Database (HGMD: prior to June 1st, 2018), and was therefore a candidate for classification through an automated scoring system. Utilizing variant allele frequency, disease prevalence and penetrance estimates, and inheritance mode, an automated score was calculated to assess if this variant is too frequent to cause the disease. Based on the score and internal cut-off values, a variant classified as benign is not then subjected to further curation. The score for this variant resulted in a classification of benign for this disease.

Breakthrough Genomics
Classification: Benign. Review status: criteria provided, single submitter. Criteria: ACMG Guidelines, 2015. Collection method: not provided. Allele origin: germline. Inheritance: Autosomal recessive inheritance. Affected: yes.

PreventionGenetics, part of Exact Sciences
Classification: Benign for FRAS1-related condition. Last evaluated: 2019-05-16. Review status: no assertion criteria provided. Collection method: clinical testing. Allele origin: germline. Not counted in ClinVar's aggregate classification.
Comment: This variant is classified as benign based on ACMG/AMP sequence variant interpretation guidelines (Richards et al. 2015 PMID: 25741868, with internal and published modifications).

Clinical Genetics DNA and cytogenetics Diagnostics Lab, Erasmus MC, Erasmus Medical Center
Classification: Benign. Review status: no assertion criteria provided. Collection method: clinical testing. Allele origin: germline. Affected: yes. Study: VKGL Data-share Consensus. Not counted in ClinVar's aggregate classification.

Genome Diagnostics Laboratory, University Medical Center Utrecht
Classification: Likely benign. Review status: no assertion criteria provided. Collection method: clinical testing. Allele origin: germline. Affected: yes. Study: VKGL Data-share Consensus. Not counted in ClinVar's aggregate classification.